The following is an entry in ClinVar:

NM_001042492.3(NF1):c.4772G>A (p.Ser1591Asn)

Gene: NF1 (neurofibromin 1; plus strand). Cytogenetic location: 17q11.2.
Variant type: single nucleotide variant.
Coding change: c.4772G>A on transcript NM_001042492.3 (MANE Select); coding-DNA position 4772, G replaced by A.
Protein change: p.Ser1591Asn; replaces serine 1591 with asparagine.
Molecular consequence: missense variant.
Genome position (GRCh38, 1-based): chr17:31,265,276, G>A. VCF-style: chr17-31265276-G-A. GRCh37 (hg19) VCF-style: chr17-29592294-G-A.
Other names: c.4709G>A, p.Ser1570Asn (NM_000267.4); short protein forms S1570N, S1591N.
Identifiers: ClinVar variation 825112 (VCV000825112.9), dbSNP rs1597753246, ClinGen allele CA399001255.

ClinVar aggregate classification (germline): Conflicting classifications of pathogenicity. Review status: criteria provided, conflicting classifications (1 of 4 stars). 3 submissions from 3 submitters: Uncertain significance (1); Benign (1); Likely benign (1). Last evaluated 2025-06-15.

Conditions:
Neurofibromatosis, type 1 (NF1). Also called: Neurofibromatosis, type I; Peripheral type neurofibromatosis; VON RECKLINGHAUSEN DISEASE; NEUROFIBROMATOSIS, TYPE I, SOMATIC. Identifiers: Orphanet 636, MedGen C0027831, MONDO:0018975, OMIM 162200. Disease mechanism: loss of function.
Hereditary cancer-predisposing syndrome. Also called: Neoplastic Syndromes, Hereditary; Hereditary Cancer Syndrome; Hereditary neoplastic syndrome; Tumor predisposition. Identifiers: Orphanet 140162, MedGen C0027672, MeSH D009386, MONDO:0015356.
Cardiovascular phenotype. Identifiers: MedGen CN230736.

Submissions (3):

Labcorp Genetics (formerly Invitae), Labcorp
Classification: Benign for Neurofibromatosis, type 1. Last evaluated: 2025-06-15. Review status: criteria provided, single submitter. Criteria: Invitae Variant Classification Sherloc (09022015). Collection method: clinical testing. Allele origin: germline.

Ambry Genetics
Classification: Likely benign for Cardiovascular phenotype; Hereditary cancer-predisposing syndrome. Last evaluated: 2023-12-14. Review status: criteria provided, single submitter. Criteria: Ambry Variant Classification Scheme 2023. Collection method: clinical testing. Allele origin: germline.

GeneDx
Classification: Uncertain significance. Last evaluated: 2023-02-19. Review status: criteria provided, single submitter. Criteria: GeneDx Variant Classification Process June 2021. Collection method: clinical testing. Allele origin: germline. Affected: yes.
Comment: Not observed at significant frequency in large population cohorts (gnomAD); In silico analysis supports that this missense variant does not alter protein structure/function; Has not been previously published as pathogenic or benign to our knowledge